The following is an entry in ClinVar:

ClinVar aggregate classification (germline): Likely pathogenic. Review status: criteria provided, multiple submitters, no conflicts (2 of 4 stars). 3 submissions from 3 submitters: Likely pathogenic (3). Last evaluated 2026-09-23.

Conditions:
DICER1-related tumor predisposition. Also called: DICER1 syndrome; DICER1-related pleuropulmonary blastoma cancer predisposition syndrome. Identifiers: Orphanet 284343, MedGen C3839822, MONDO:0100216.

Allele frequency attached by ClinVar (database versions not stated): gnomAD exomes below 0.00001.

Submissions (3):

Myriad Genetics, Inc.
Classification: Likely pathogenic for DICER1-related tumor predisposition. Last evaluated: 2026-09-23. Review status: criteria provided, single submitter. Criteria: Myriad Autosomal Dominant, Autosomal Recessive and X-Linked Classification Criteria (2023). Collection method: clinical testing. Allele origin: unknown.
Comment: This variant is considered likely pathogenic. This variant occurs within a consensus splice junction and is predicted to result in abnormal mRNA splicing of either an out-of-frame exon or an in-frame exon necessary for protein stability and/or normal function.

Center for Genomic Medicine, Rigshospitalet, Copenhagen University Hospital
Classification: Likely pathogenic. Last evaluated: 2025-12-29. Review status: criteria provided, single submitter. Criteria: ACMG Guidelines, 2015. Collection method: clinical testing. Allele origin: germline.
Comment: Classification criteria: PVS1, PM2_suporting

Labcorp Genetics (formerly Invitae), Labcorp
Classification: Likely pathogenic for DICER1-related tumor predisposition. Last evaluated: 2025-11-23. Review status: criteria provided, single submitter. Criteria: Invitae Variant Classification Sherloc (09022015). Collection method: clinical testing. Allele origin: germline.
Comment: This sequence change affects an acceptor splice site in intron 12 of the DICER1 gene. It is expected to disrupt RNA splicing. Variants that disrupt the donor or acceptor splice site typically lead to a loss of protein function (PMID: 16199547), and loss-of-function variants in DICER1 are known to be pathogenic (PMID: 19556464, 21266384). This variant is not present in population databases (gnomAD no frequency). This variant has not been reported in the literature in individuals affected with DICER1-related conditions. ClinVar contains an entry for this variant (Variation ID: 945356). Algorithms developed to predict the effect of sequence changes on RNA splicing suggest that this variant may disrupt the consensus splice site. In summary, the currently available evidence indicates that the variant is pathogenic, but additional data are needed to prove that conclusively. Therefore, this variant has been classified as Likely Pathogenic.

Literature cited by the submitters: PubMed 16199547 (cited by Labcorp Genetics (formerly Invitae), Labcorp); PubMed 19556464 (cited by Labcorp Genetics (formerly Invitae), Labcorp); PubMed 21266384 (cited by Labcorp Genetics (formerly Invitae), Labcorp).

NM_177438.3(DICER1):c.2041-1G>A

Gene: DICER1 (dicer 1, ribonuclease III; minus strand). Cytogenetic location: 14q32.13.
Variant type: single nucleotide variant.
Coding change: c.2041-1G>A on transcript NM_177438.3 (MANE Select); the canonical splice acceptor site of the intron before coding-DNA position 2041, G replaced by A.
Molecular consequence: splice acceptor variant.
Genome position (GRCh38, 1-based): chr14:95,112,248, C>T on the plus strand (G>A on the coding strand, the complement: DICER1 is on the minus strand). VCF-style: chr14-95112248-C-T. GRCh37 (hg19) VCF-style: chr14-95578585-C-T.
Other names: c.1636-1G>A (NM_001395687.1, NM_001395689.1, NM_001395688.1 and 3 more transcripts); c.1759-1G>A (NM_001395686.1); c.1474-1G>A (NM_001395691.1); c.2041-1G>A (NM_001395684.1, NM_001395683.1, NM_001395679.1 and 12 more transcripts); c.358-1G>A (NM_001395697.1).
Identifiers: ClinVar variation 945356 (VCV000945356.11), dbSNP rs1892041902, ClinGen allele CA390883148.